The following is an entry in ClinVar:

NM_001350162.2(TEX15):c.8838T>G (p.Ile2946Met)

Gene: TEX15 (testis expressed 15, meiosis and synapsis associated; minus strand). Cytogenetic location: 8p12.
Variant type: single nucleotide variant.
Coding change: c.8838T>G on transcript NM_001350162.2 (MANE Select); coding-DNA position 8838, T replaced by G.
Protein change: p.Ile2946Met; replaces isoleucine 2946 with methionine.
Molecular consequence: missense variant.
Genome position (GRCh38, 1-based): chr8:30,837,446, A>C on the plus strand (T>G on the coding strand, the complement: TEX15 is on the minus strand). VCF-style: chr8-30837446-A-C. GRCh37 (hg19) VCF-style: chr8-30694962-A-C.
Other names: c.7689T>G (NM_031271.3); short protein forms I2946M.
Identifiers: ClinVar variation 777420 (VCV000777420.6), dbSNP rs145215857, ClinGen allele CA4702235.

ClinVar aggregate classification (germline): Conflicting classifications of pathogenicity. Review status: criteria provided, conflicting classifications (1 of 4 stars). 4 submissions from 4 submitters: Uncertain significance (1); Benign (2); Likely benign (1). Last evaluated 2025-03-12.

Conditions:
Spermatogenic failure 25. Identifiers: MedGen C4693765, MONDO:0054729, OMIM 617960.
TEX15-related disorder. Also called: TEX15-related condition.

Allele frequency attached by ClinVar (database versions not stated): ESP Exome Variant Server 0.00062; gnomAD exomes 0.00151 and 0.00391; gnomAD 0.00218 and 0.00234; TOPMed 0.00293; ExAC 0.00320; 1000 Genomes Project 0.00379; 1000 Genomes Project 30x 0.00422.
gnomAD v4.1: 2,565 of 1,614,096 alleles (0.16%); highest among the groups gnomAD compares: Admixed American, 1.7%; 18 homozygotes.

Submissions (4):

PreventionGenetics, part of Exact Sciences
Classification: Likely benign for TEX15-related condition. Last evaluated: 2025-03-12. Review status: criteria provided, single submitter. Criteria: ACMG Guidelines, 2015. Collection method: clinical testing. Allele origin: germline.
Comment: This variant is classified as likely benign based on ACMG/AMP sequence variant interpretation guidelines (Richards et al. 2015 PMID: 25741868, with internal and published modifications).

Yatsenko Laboratory, Magee-Womens Research Institute, University of Pittsburgh
Classification: Uncertain significance for Spermatogenic failure 25. Last evaluated: 2022-12-30. Review status: criteria provided, single submitter. Criteria: ACMG Guidelines, 2015. Collection method: research. Allele origin: unknown. Affected: no.

Labcorp Genetics (formerly Invitae), Labcorp
Classification: Benign. Last evaluated: 2019-02-26. Review status: criteria provided, single submitter. Criteria: Invitae Variant Classification Sherloc (09022015). Collection method: clinical testing. Allele origin: germline.

Breakthrough Genomics
Classification: Benign. Review status: criteria provided, single submitter. Criteria: ACMG Guidelines, 2015. Collection method: not provided. Allele origin: germline. Inheritance: Autosomal recessive inheritance. Affected: yes.